The following is an entry in ClinVar:

ClinVar aggregate classification (germline): Uncertain significance (1 of 4 stars; one submission).

gnomAD v4.1: 1 of 1,614,064 alleles (0.000062%); highest among the groups gnomAD compares: Non-Finnish European, 0.000085%; no homozygotes.

Submission:

GeneDx
Classification: Uncertain significance. Last evaluated: 2024-05-17. Review status: criteria provided, single submitter. Criteria: GeneDx Variant Classification Process June 2021. Collection method: clinical testing. Allele origin: germline. Affected: yes.
Comment: Not observed at significant frequency in large population cohorts (gnomAD); In silico analysis indicates that this missense variant does not alter protein structure/function; Has not been previously published as pathogenic or benign to our knowledge

NM_000053.4(ATP7B):c.1151T>G (p.Leu384Arg)

Gene: ATP7B (ATPase copper transporting beta; minus strand). Cytogenetic location: 13q14.3.
Variant type: single nucleotide variant.
Coding change: c.1151T>G on transcript NM_000053.4 (MANE Select); coding-DNA position 1151, T replaced by G.
Protein change: p.Leu384Arg; replaces leucine 384 with arginine.
Molecular consequence: missense variant.
Genome position (GRCh38, 1-based): chr13:51,974,069, A>C on the plus strand (T>G on the coding strand, the complement: ATP7B is on the minus strand). VCF-style: chr13-51974069-A-C. GRCh37 (hg19) VCF-style: chr13-52548205-A-C.
Other names: c.1151T>G, p.Leu384Arg (NM_001005918.3, NM_001330578.2, NM_001330579.2 and 29 more transcripts); c.818T>G, p.Leu273Arg (NM_001243182.2); c.1055T>G, p.Leu352Arg (NM_001406517.1, NM_001406518.1, NM_001406530.1 and 3 more transcripts); c.722T>G, p.Leu241Arg (NM_001406539.1); short protein forms L241R, L273R, L352R, L384R.
Identifiers: ClinVar variation 3377873 (VCV003377873.1).